The following is an entry in ClinVar:

NM_014314.4(RIGI):c.1879G>C (p.Glu627Gln)

Gene: RIGI (RNA sensor RIG-I; minus strand). Cytogenetic location: 9p21.1.
Variant type: single nucleotide variant.
Coding change: c.1879G>C on transcript NM_014314.4 (MANE Select); coding-DNA position 1879, G replaced by C.
Protein change: p.Glu627Gln; replaces glutamic acid 627 with glutamine.
Molecular consequence: missense variant.
Genome position (GRCh38, 1-based): chr9:32,477,027, C>G on the plus strand (G>C on the coding strand, the complement: RIGI is on the minus strand). VCF-style: chr9-32477027-C-G. GRCh37 (hg19) VCF-style: chr9-32477025-C-G.
Other names: c.1864G>C, p.Glu622Gln (NM_001385913.1); c.1435G>C, p.Glu479Gln (NM_001385914.1); c.1873G>C, p.Glu625Gln (NM_001385907.1); c.1879G>C, p.Glu627Gln (NM_001385909.1); c.1438G>C, p.Glu480Gln (NM_001385910.1); c.1270G>C, p.Glu424Gln (NM_001385912.1); short protein forms E622Q, E625Q, E479Q, E424Q, E480Q, E627Q.
Identifiers: ClinVar variation 2989716 (VCV002989716.3), dbSNP rs775960738, ClinGen allele CA5019653.

ClinVar aggregate classification (germline): Uncertain significance (1 of 4 stars; one submission).

Allele frequency attached by ClinVar (database versions not stated): gnomAD exomes below 0.00001; ExAC 0.00002; gnomAD 0.00007; TOPMed 0.00008.
gnomAD v4.1: 12 of 1,614,024 alleles (0.00074%); highest among the groups gnomAD compares: African/African-American, 0.015%; no homozygotes.

Submission:

Labcorp Genetics (formerly Invitae), Labcorp
Classification: Uncertain significance. Last evaluated: 2023-07-09. Review status: criteria provided, single submitter. Criteria: Invitae Variant Classification Sherloc (09022015). Collection method: clinical testing. Allele origin: germline.
Comment: In summary, the available evidence is currently insufficient to determine the role of this variant in disease. Therefore, it has been classified as a Variant of Uncertain Significance. Advanced modeling of protein sequence and biophysical properties (such as structural, functional, and spatial information, amino acid conservation, physicochemical variation, residue mobility, and thermodynamic stability) performed at Invitae indicates that this missense variant is not expected to disrupt DDX58 protein function. This variant has not been reported in the literature in individuals affected with DDX58-related conditions. This variant is present in population databases (rs775960738, gnomAD 0.02%). This sequence change replaces glutamic acid, which is acidic and polar, with glutamine, which is neutral and polar, at codon 627 of the DDX58 protein (p.Glu627Gln).